The following is an entry in ClinVar:

ClinVar aggregate classification (germline): Uncertain significance. Review status: criteria provided, multiple submitters, no conflicts (2 of 4 stars). 3 submissions from 3 submitters: Uncertain significance (3). Last evaluated 2024-11-11.

Conditions:
Cardiovascular phenotype. Identifiers: MedGen CN230736.
Desmin-related myofibrillar myopathy (MFM1). Also called: Desminopathy; MYOFIBRILLAR MYOPATHY WITH ARRHYTHMOGENIC RIGHT VENTRICULAR CARDIOMYOPATHY; DESMIN-RELATED MYOPATHY WITH ARRHYTHMOGENIC RIGHT VENTRICULAR CARDIOMYOPATHY; Desmin related myopathy (former name); Desmin storage myopathy (former name); Myofibrillar myopathy 1. Identifiers: Orphanet 363543, Orphanet 98909, MedGen C1832370, MONDO:0011076, OMIM 601419.

Submissions (3):

Women's Health and Genetics/Laboratory Corporation of America, LabCorp
Classification: Uncertain significance. Last evaluated: 2024-11-11. Review status: criteria provided, single submitter. Criteria: LabCorp Variant Classification Summary - May 2015. Collection method: clinical testing. Allele origin: germline.
Comment: Variant summary: DES c.1388C>T (p.Thr463Ile) results in a non-conservative amino acid change in the encoded protein sequence. Three of five in-silico tools predict a damaging effect of the variant on protein function. The variant was absent in 250992 control chromosomes. The available data on variant occurrences in the general population are insufficient to allow any conclusion about variant significance. To our knowledge, no occurrence of c.1388C>T in individuals affected with Autosomal Recessive Desminopathy and no experimental evidence demonstrating its impact on protein function have been reported. ClinVar contains an entry for this variant (Variation ID: 2922193). Based on the evidence outlined above, the variant was classified as uncertain significance.

Labcorp Genetics (formerly Invitae), Labcorp
Classification: Uncertain significance for Desmin-related myofibrillar myopathy. Last evaluated: 2024-05-31. Review status: criteria provided, single submitter. Criteria: Invitae Variant Classification Sherloc (09022015). Collection method: clinical testing. Allele origin: germline.
Comment: This sequence change replaces threonine, which is neutral and polar, with isoleucine, which is neutral and non-polar, at codon 463 of the DES protein (p.Thr463Ile). This variant is present in population databases (no rsID available, gnomAD 0.01%). This variant has not been reported in the literature in individuals affected with DES-related conditions. Advanced modeling of protein sequence and biophysical properties (such as structural, functional, and spatial information, amino acid conservation, physicochemical variation, residue mobility, and thermodynamic stability) has been performed at Invitae for this missense variant, however the output from this modeling did not meet the statistical confidence thresholds required to predict the impact of this variant on DES protein function. In summary, the available evidence is currently insufficient to determine the role of this variant in disease. Therefore, it has been classified as a Variant of Uncertain Significance.

Ambry Genetics
Classification: Uncertain significance for Cardiovascular phenotype. Last evaluated: 2023-11-01. Review status: criteria provided, single submitter. Criteria: Ambry Variant Classification Scheme 2023. Collection method: clinical testing. Allele origin: germline.
Comment: The p.T463I variant (also known as c.1388C>T), located in coding exon 9 of the DES gene, results from a C to T substitution at nucleotide position 1388. The threonine at codon 463 is replaced by isoleucine, an amino acid with similar properties. This amino acid position is conserved. In addition, this alteration is predicted to be deleterious by in silico analysis. Since supporting evidence is limited at this time, the clinical significance of this alteration remains unclear.

NM_001927.4(DES):c.1388C>T (p.Thr463Ile)

Gene: DES (desmin; plus strand). Cytogenetic location: 2q35.
Variant type: single nucleotide variant.
Coding change: c.1388C>T on transcript NM_001927.4 (MANE Select); coding-DNA position 1388, C replaced by T.
Protein change: p.Thr463Ile; replaces threonine 463 with isoleucine.
Molecular consequence: missense variant. On other transcripts: intron variant (1).
Genome position (GRCh38, 1-based): chr2:219,425,965, C>T. VCF-style: chr2-219425965-C-T. GRCh37 (hg19) VCF-style: chr2-220290687-C-T.
Other names: c.1385C>T, p.Thr462Ile (NM_001382708.1); c.956C>T, p.Thr319Ile (NM_001382709.1); c.1319C>T, p.Thr440Ile (NM_001382710.1); c.1367C>T, p.Thr456Ile (NM_001382711.1); c.1118C>T, p.Thr373Ile (NM_001382713.1); c.1371+220C>T (NM_001382712.1); short protein forms T440I, T319I, T462I, T373I, T456I, T463I.
Identifiers: ClinVar variation 2922193 (VCV002922193.5), dbSNP rs1200509301, ClinGen allele CA350699035.
Genomic context (GRCh38, chr2:219,425,965, plus strand): 5'-CTCTGGCTAGCACATGGTTGGACTGGGCTTCTCTTCCTCCCCAGGTCGTCAGTGAGGCCA[C>T]ACAGCAGCAGCATGAAGTGCTCTAAAGACAGAGACCCTCTGCCACCAGAGACCGTCCTCA-3'
Protein context (NP_001918.3, residues 453-470): TRDGEVVSEA[Thr463Ile]QQQHEVL